The following is an entry in ClinVar:

NM_182914.3(SYNE2):c.14530G>T (p.Asp4844Tyr)

Gene: SYNE2 (spectrin repeat containing nuclear envelope protein 2; plus strand). Cytogenetic location: 14q23.2.
Variant type: single nucleotide variant.
Coding change: c.14530G>T on transcript NM_182914.3 (MANE Select); coding-DNA position 14530, G replaced by T.
Protein change: p.Asp4844Tyr; replaces aspartic acid 4844 with tyrosine.
Molecular consequence: missense variant.
Genome position (GRCh38, 1-based): chr14:64,134,084, G>T. VCF-style: chr14-64134084-G-T. GRCh37 (hg19) VCF-style: chr14-64600802-G-T.
Other names: c.14530G>T, p.Asp4844Tyr (NM_015180.6); short protein forms D4844Y.
Identifiers: ClinVar variation 3027458 (VCV003027458.1), dbSNP rs1268032843, ClinGen allele CA389985718.

ClinVar aggregate classification (germline): Uncertain significance (1 of 4 stars; one submission).

Conditions:
Emery-Dreifuss muscular dystrophy 5, autosomal dominant (EDMD5). Also called: EMERY-DREIFUSS MUSCULAR DYSTROPHY 5. Identifiers: Orphanet 261, MedGen C2751805, MONDO:0013072, OMIM 612999.

Submission:

Human Genetics Bochum, Ruhr University Bochum
Classification: Uncertain significance for Emery-Dreifuss muscular dystrophy 5, autosomal dominant. Last evaluated: 2023-04-11. Review status: criteria provided, single submitter. Criteria: ACMG Guidelines, 2015. Collection method: clinical testing. Allele origin: germline. Affected: yes.
Comment: ACMG criteria used to clasify this variant: PM2_SUP, PP3